The following is an entry in ClinVar:

ClinVar aggregate classification (germline): Pathogenic (1 of 4 stars; one submission).

Conditions:
Duchenne muscular dystrophy (DMD). Also called: MUSCULAR DYSTROPHY, PSEUDOHYPERTROPHIC PROGRESSIVE, DUCHENNE TYPE; Duchenne Muscular Dystrophy (DMD). Identifiers: Orphanet 98896, MedGen C0013264, MONDO:0010679, OMIM 310200.

Submission:

Labcorp Genetics (formerly Invitae), Labcorp
Classification: Pathogenic for Duchenne muscular dystrophy. Last evaluated: 2023-12-19. Review status: criteria provided, single submitter. Criteria: Invitae Variant Classification Sherloc (09022015). Collection method: clinical testing. Allele origin: unknown.
Comment: This variant is a gross deletion of the genomic region encompassing exon(s) 26-33 of the DMD gene. This variant would be expected to be in-frame, preserving the integrity of the reading frame. This variant has not been reported in the literature in individuals affected with DMD-related conditions. Experimental studies and prediction algorithms are not available or were not evaluated, and the functional significance of this variant is currently unknown. The region of the DMD gene that includes exon(s) 29 has been determined to be clinically significant (PMID: 17259292, 17854090; Invitae). Therefore, deletions that encompass that region are likely to be disease-causing. For these reasons, this variant has been classified as Pathogenic.

Literature cited by the submitters: PubMed 17259292; PubMed 17854090.

NC_000023.10:g.(?_32404407)_(32472969_?)del

Gene: DMD (dystrophin; minus strand). Cytogenetic location: Xp21.1.
Variant type: Deletion.
Identifiers: ClinVar variation 3247004 (VCV003247004.1).